The following is an entry in ClinVar:

ClinVar aggregate classification (germline): Uncertain significance. Review status: criteria provided, multiple submitters, no conflicts (2 of 4 stars). 2 submissions from 2 submitters: Uncertain significance (2). Last evaluated 2021-07-28.

Allele frequency attached by ClinVar (database versions not stated): ExAC 0.00021; gnomAD exomes 0.00027; TOPMed 0.00027; gnomAD 0.00031 and 0.00032; ESP Exome Variant Server 0.00054.

Submissions (2):

Ambry Genetics
Classification: Uncertain significance. Last evaluated: 2021-07-28. Review status: criteria provided, single submitter. Criteria: Ambry Variant Classification Scheme 2023. Collection method: clinical testing. Allele origin: germline.

GeneDx
Classification: Uncertain significance. Last evaluated: 2014-06-09. Review status: criteria provided, single submitter. Criteria: GeneDx Variant Classification (06012015). Collection method: clinical testing. Allele origin: germline. Affected: yes.
Comment: p.Met191Val (ATG>GTG): c.571 A>G in exon 2 of the ALDH1B1 gene (NM_000692.4). The M191V variant has not been published as a mutation, nor has it been reported as a benign polymorphism to our knowledge. The M191V variant is a conservative amino acid substitution, which is not likely to impact secondary protein structure as these residues share similar properties. This substitution occurs at a position that is conserved across species. In silico analysis predicts this variant is probably damaging to the protein structure/function. Therefore, based on the currently available information, it is unclear whether this variant is a pathogenic mutation or a rare benign variant. The variant is found in MITONUC-MITOP panel(s).

NM_000692.5(ALDH1B1):c.571A>G (p.Met191Val)

Gene: ALDH1B1 (aldehyde dehydrogenase 1 family member B1; plus strand). Cytogenetic location: 9p13.1.
Variant type: single nucleotide variant.
Coding change: c.571A>G on transcript NM_000692.5 (MANE Select); coding-DNA position 571, A replaced by G.
Protein change: p.Met191Val; replaces methionine 191 with valine.
Molecular consequence: missense variant.
Genome position (GRCh38, 1-based): chr9:38,396,319, A>G. VCF-style: chr9-38396319-A-G. GRCh37 (hg19) VCF-style: chr9-38396316-A-G.
Other names: p.M191V:ATG>GTG; short protein forms M191V.
Identifiers: ClinVar variation 214110 (VCV000214110.4), dbSNP rs111325536, ClinGen allele CA320685.
Genomic context (GRCh38, chr9:38,396,319, plus strand): 5'-ACCCGGCATGAGCCCGTTGGTGTCTGTGGCCAGATCATCCCGTGGAACTTCCCCTTGGTC[A>G]TGCAGGGTTGGAAACTTGCCCCGGCACTCGCCACAGGCAACACTGTGGTTATGAAGGTGG-3'
Protein context (NP_000683.3, residues 181-201): QIIPWNFPLV[Met191Val]QGWKLAPALA